The following is an entry in ClinVar:

NM_000557.5(GDF5):c.953G>C (p.Arg318Pro)

Genes: GDF5-AS1 (GDF5 antisense RNA 1; plus strand), GDF5 (growth differentiation factor 5; minus strand). Cytogenetic location: 20q11.22.
Variant type: single nucleotide variant.
Coding change: c.953G>C on transcript NM_000557.5 (MANE Select); coding-DNA position 953, G replaced by C.
Protein change: p.Arg318Pro; replaces arginine 318 with proline.
Molecular consequence: missense variant. On other transcripts: non-coding transcript variant (1).
Genome position (GRCh38, 1-based): chr20:35,434,462, C>G on the plus strand (G>C on the coding strand, the complement: GDF5 is on the minus strand). VCF-style: chr20-35434462-C-G. GRCh37 (hg19) VCF-style: chr20-34022260-C-G.
Other names: c.953G>C, p.Arg318Pro (NM_001319138.2); short protein forms R318P.
Identifiers: ClinVar variation 338319 (VCV000338319.12), dbSNP rs201590447, ClinGen allele CA9832202.

ClinVar aggregate classification (germline): Benign/Likely benign. Review status: criteria provided, multiple submitters, no conflicts (2 of 4 stars). 6 submissions from 2 submitters: Benign (2); Likely benign (4). Last evaluated 2024-04-17.

Conditions:
Brachydactyly. Also called: Brachydactyly syndrome; Brachydactyly (disease). Identifiers: MedGen C0221357, MONDO:0021004, HP:0001156.
Multiple synostoses syndrome 2 (SYNS2). Identifiers: Orphanet 3237, MedGen C1832708, MONDO:0012394, OMIM 610017.
Acromesomelic dysplasia 2B. Also called: DU PAN SYNDROME. Identifiers: Orphanet 2639, MedGen C1856738, MONDO:0009231, OMIM 228900.
Grebe syndrome. Also called: ACROMESOMELIC DYSPLASIA, GREBE TYPE; GREBE DYSPLASIA; ACROMESOMELIC DYSPLASIA 2A. Identifiers: Orphanet 2098, MedGen C0265260, MONDO:0008703, OMIM 200700.
Acromesomelic dysplasia 2C, Hunter-Thompson type. Also called: Acromesomelic dysplasia, Hunter-Thompson type. Identifiers: Orphanet 968, MedGen C2930970, MONDO:0008717, OMIM 201250.

Allele frequency attached by ClinVar (database versions not stated): gnomAD 0.00026; TOPMed 0.00029; 1000 Genomes Project 0.00060; 1000 Genomes Project 30x 0.00062.
gnomAD v4.1: 64 of 1,612,602 alleles (0.004%); highest among the groups gnomAD compares: East Asian, 0.13%; no homozygotes.

Submissions (6):

Labcorp Genetics (formerly Invitae), Labcorp
Classification: Likely benign. Last evaluated: 2024-04-17. Review status: criteria provided, single submitter. Criteria: Invitae Variant Classification Sherloc (09022015). Collection method: clinical testing. Allele origin: germline.

Illumina Laboratory Services, Illumina
Classification: Likely benign for Grebe syndrome. Last evaluated: 2018-01-13. Review status: criteria provided, single submitter. Criteria: ICSL Variant Classification Criteria 13 December 2019. Collection method: clinical testing. Allele origin: germline.
Comment: This variant was observed in the ICSL laboratory as part of a predisposition screen in an ostensibly healthy population. It had not been previously curated by ICSL or reported in the Human Gene Mutation Database (HGMD: prior to June 1st, 2018), and was therefore a candidate for classification through an automated scoring system. Utilizing variant allele frequency, disease prevalence and penetrance estimates, and inheritance mode, an automated score was calculated to assess if this variant is too frequent to cause the disease. Based on the score and internal cut-off values, a variant classified as likely benign is not then subjected to further curation. The score for this variant resulted in a classification of likely benign for this disease.

Illumina Laboratory Services, Illumina
Classification: Benign for Multiple synostoses syndrome 2. Last evaluated: 2018-01-13. Review status: criteria provided, single submitter. Criteria: ICSL Variant Classification Criteria 13 December 2019. Collection method: clinical testing. Allele origin: germline.
Comment: This variant was observed in the ICSL laboratory as part of a predisposition screen in an ostensibly healthy population. It had not been previously curated by ICSL or reported in the Human Gene Mutation Database (HGMD: prior to June 1st, 2018), and was therefore a candidate for classification through an automated scoring system. Utilizing variant allele frequency, disease prevalence and penetrance estimates, and inheritance mode, an automated score was calculated to assess if this variant is too frequent to cause the disease. Based on the score and internal cut-off values, a variant classified as benign is not then subjected to further curation. The score for this variant resulted in a classification of benign for this disease.

Illumina Laboratory Services, Illumina
Classification: Likely benign for Fibular hypoplasia and complex brachydactyly. Last evaluated: 2018-01-13. Review status: criteria provided, single submitter. Criteria: ICSL Variant Classification Criteria 13 December 2019. Collection method: clinical testing. Allele origin: germline.
Comment: the same text as in the submission from Illumina Laboratory Services, Illumina above.

Illumina Laboratory Services, Illumina
Classification: Benign for Brachydactyly. Last evaluated: 2018-01-13. Review status: criteria provided, single submitter. Criteria: ICSL Variant Classification Criteria 13 December 2019. Collection method: clinical testing. Allele origin: germline.
Comment: the same text as in the submission from Illumina Laboratory Services, Illumina above.

Illumina Laboratory Services, Illumina
Classification: Likely benign for Acromesomelic dysplasia 2C, Hunter-Thompson type. Last evaluated: 2018-01-13. Review status: criteria provided, single submitter. Criteria: ICSL Variant Classification Criteria 13 December 2019. Collection method: clinical testing. Allele origin: germline.
Comment: the same text as in the submission from Illumina Laboratory Services, Illumina above.